The following is an entry in ClinVar:

NM_000368.5(TSC1):c.26A>C (p.Glu9Ala)

Gene: TSC1 (TSC complex subunit 1; minus strand). Cytogenetic location: 9q34.13.
Variant type: single nucleotide variant.
Coding change: c.26A>C on transcript NM_000368.5 (MANE Select); coding-DNA position 26, A replaced by C.
Protein change: p.Glu9Ala; replaces glutamic acid 9 with alanine.
Molecular consequence: missense variant. On other transcripts: 5 prime UTR variant (16), non-coding transcript variant (5), intron variant (2).
Genome position (GRCh38, 1-based): chr9:132,928,847, T>G on the plus strand (A>C on the coding strand, the complement: TSC1 is on the minus strand). VCF-style: chr9-132928847-T-G. GRCh37 (hg19) VCF-style: chr9-135804234-T-G.
Other names: c.26A>C, p.Glu9Ala (NM_001162426.2, NM_001162427.2, NM_001406592.1 and 21 more transcripts); c.-234A>C (NM_001362177.2, NM_001406617.1, NM_001406619.1 and 3 more transcripts); c.-326A>C (NM_001406614.1); c.-463A>C (NM_001406615.1, NM_001406623.1); c.-430A>C (NM_001406616.1, NM_001406624.1); c.-852A>C (NM_001406626.1, NM_001406627.1, NM_001406628.1); c.-994A>C (NM_001406629.1); c.-1068A>C (NM_001406630.1); and 1 more; short protein forms E9A.
Identifiers: ClinVar variation 4765025 (VCV004765025.2).

ClinVar aggregate classification (germline): Uncertain significance. Review status: criteria provided, multiple submitters, no conflicts (2 of 4 stars). 2 submissions from 2 submitters: Uncertain significance (2). Last evaluated 2025-12-23.

Conditions:
Tuberous sclerosis 1 (TSC1). Identifiers: Orphanet 805, MedGen C1854465, MONDO:0008612, OMIM 191100.
Hereditary cancer-predisposing syndrome. Also called: Neoplastic Syndromes, Hereditary; Hereditary neoplastic syndrome; Tumor predisposition; Hereditary Cancer Syndrome. Identifiers: Orphanet 140162, MedGen C0027672, MeSH D009386, MONDO:0015356.

Submissions (2):

Ambry Genetics
Classification: Uncertain significance for Hereditary cancer-predisposing syndrome. Last evaluated: 2025-12-23. Review status: criteria provided, single submitter. Criteria: Ambry Variant Classification Scheme 2023. Collection method: clinical testing. Allele origin: germline.
Comment: The p.E9A variant (also known as c.26A>C), located in coding exon 1 of the TSC1 gene, results from an A to C substitution at nucleotide position 26. The glutamic acid at codon 9 is replaced by alanine, an amino acid with dissimilar properties. This amino acid position is conserved. In addition, the in silico prediction for this alteration is inconclusive. Based on the available evidence, the clinical significance of this variant remains unclear.

Labcorp Genetics (formerly Invitae), Labcorp
Classification: Uncertain significance for Tuberous sclerosis 1. Last evaluated: 2025-06-17. Review status: criteria provided, single submitter. Criteria: Invitae Variant Classification Sherloc (09022015). Collection method: clinical testing. Allele origin: germline.
Comment: This sequence change replaces glutamic acid, which is acidic and polar, with alanine, which is neutral and non-polar, at codon 9 of the TSC1 protein (p.Glu9Ala). This variant is not present in population databases (gnomAD no frequency). This variant has not been reported in the literature in individuals affected with TSC1-related conditions. Invitae Evidence Modeling of protein sequence and biophysical properties (such as structural, functional, and spatial information, amino acid conservation, physicochemical variation, residue mobility, and thermodynamic stability) indicates that this missense variant is not expected to disrupt TSC1 protein function with a negative predictive value of 95%. In summary, the available evidence is currently insufficient to determine the role of this variant in disease. Therefore, it has been classified as a Variant of Uncertain Significance.